The following is an entry in ClinVar:

NM_004667.6(HERC2):c.11716C>T (p.Arg3906Cys)

Gene: HERC2 (HECT and RLD domain containing E3 ubiquitin protein ligase 2; minus strand). Cytogenetic location: 15q13.1.
Variant type: single nucleotide variant.
Coding change: c.11716C>T on transcript NM_004667.6 (MANE Select); coding-DNA position 11716, C replaced by T.
Protein change: p.Arg3906Cys; replaces arginine 3906 with cysteine.
Molecular consequence: missense variant.
Genome position (GRCh38, 1-based): chr15:28,141,831, G>A on the plus strand (C>T on the coding strand, the complement: HERC2 is on the minus strand). VCF-style: chr15-28141831-G-A. GRCh37 (hg19) VCF-style: chr15-28386977-G-A.
Other names: short protein forms R3906C.
Identifiers: ClinVar variation 393051 (VCV000393051.10), dbSNP rs770688775, ClinGen allele CA7440483.

ClinVar aggregate classification (germline): Uncertain significance. Review status: criteria provided, multiple submitters, no conflicts (2 of 4 stars). 4 submissions from 4 submitters: Uncertain significance (4). Last evaluated 2025-11-26.

Conditions:
Developmental delay with autism spectrum disorder and gait instability (MRT38). Also called: Intellectual developmental disorder, autosomal recessive 38. Identifiers: Orphanet 329195, MedGen C3809753, MONDO:0014224, OMIM 615516.

Allele frequency attached by ClinVar (database versions not stated): gnomAD 0.00002 and 0.00001.
gnomAD v4.1: 42 of 1,613,408 alleles (0.0026%); highest among the groups gnomAD compares: Admixed American, 0.02%; no homozygotes.

Submissions (4):

Dasa
Classification: Uncertain significance for Developmental delay with autism spectrum disorder and gait instability. Last evaluated: 2025-11-26. Review status: criteria provided, single submitter. Criteria: DASA Assertion Criteria. Collection method: clinical testing. Allele origin: germline.
Comment: NM_004667.6(HERC2):c.11716C>T (p.Arg3906Cys) is a missense variant that results in the substitution of arginine with cysteine. This variant is rare in population databases. The currently available literature and clinical evidence are not sufficient to establish a definitive association between this variant and the reported condition. Therefore, this variant is classified as a variant of uncertain significance.

Labcorp Genetics (formerly Invitae), Labcorp
Classification: Uncertain significance. Last evaluated: 2024-10-17. Review status: criteria provided, single submitter. Criteria: Invitae Variant Classification Sherloc (09022015). Collection method: clinical testing. Allele origin: germline.
Comment: This sequence change replaces arginine, which is basic and polar, with cysteine, which is neutral and slightly polar, at codon 3906 of the HERC2 protein (p.Arg3906Cys). This variant is present in population databases (rs770688775, gnomAD 0.03%). This variant has not been reported in the literature in individuals affected with HERC2-related conditions. ClinVar contains an entry for this variant (Variation ID: 393051). Invitae Evidence Modeling of protein sequence and biophysical properties (such as structural, functional, and spatial information, amino acid conservation, physicochemical variation, residue mobility, and thermodynamic stability) indicates that this missense variant is not expected to disrupt HERC2 protein function with a negative predictive value of 80%. In summary, the available evidence is currently insufficient to determine the role of this variant in disease. Therefore, it has been classified as a Variant of Uncertain Significance.

GeneDx
Classification: Uncertain significance. Last evaluated: 2022-06-03. Review status: criteria provided, single submitter. Criteria: GeneDx Variant Classification Process June 2021. Collection method: clinical testing. Allele origin: germline. Affected: yes.
Comment: In silico analysis supports that this missense variant does not alter protein structure/function; Has not been previously published as pathogenic or benign to our knowledge

New York Genome Center
Classification: Uncertain significance for Developmental delay with autism spectrum disorder and gait instability. Last evaluated: 2020-04-28. Review status: criteria provided, single submitter. Criteria: NYGC Assertion Criteria 2020. Collection method: clinical testing. Allele origin: inherited. Observed: 1 compound heterozygote. Study: CSER-NYCKidSeq.
Comment: The inherited p.Arg3906Cys in the HERC2 gene has not been reported in the literature in individuals with neurological disorders. The variant has 0.00006771 allele frequency (17 out of 251,080 heterozygous alleles) in the gnomAD database indicating it is a rare allele in the general population. The variant affects moderately conserved residues. In silico prediction tools provide conflicting interpretations about the variants potential deleterious effects on normal protein function. Based on the available evidence, the inherited p.Arg3906Cys varaint in the HERC2 gene is assessed as a variant of uncertain significance.